The following is an entry in ClinVar:

NM_007294.4(BRCA1):c.3477_3480del (p.Ile1159fs)

Genes: BRCA1 (BRCA1 DNA repair associated; minus strand), LOC126862571 (BRD4-independent group 4 enhancer GRCh37_chr17:41243136-41244335; plus strand). Cytogenetic location: 17q21.31.
Variant type: Deletion.
Coding change: c.3477_3480del on transcript NM_007294.4 (MANE Select); coding-DNA positions 3477 to 3480, 4 bases deleted (AAAG; older notation c.3477_3480delAAAG).
Protein change: p.Ile1159fs; shifts the reading frame from isoleucine 1159.
Molecular consequence: frameshift variant. On other transcripts: intron variant (135).
Genome position (GRCh38, 1-based): chr17:43,092,051-43,092,054, CTTT deleted on the plus strand (AAAG on the coding strand, the reverse complement: BRCA1 is on the minus strand). VCF-style (leftmost placement, unchanged base first): chr17-43092050-CCTTT-C. GRCh37 (hg19) VCF-style: chr17-41244067-CCTTT-C.
Other names: 3596del4; c.3396_3399del, p.Ile1132fs (NM_001407660.1, NM_001407661.1, NM_001407662.1 and 1 more transcripts); c.3399_3402del, p.Ile1133fs (NM_001407663.1, NM_001407653.1, NM_001407654.1 and 4 more transcripts); c.3354_3357del, p.Ile1118fs (NM_001407664.1, NM_001407665.1, NM_001407666.1 and 19 more transcripts); c.3351_3354del, p.Ile1117fs (NM_001407670.1, NM_001407671.1, NM_001407672.1 and 11 more transcripts); c.3477_3480del, p.Ile1159fs (NM_001407684.1, NM_001407854.1, NM_001407858.1 and 30 more transcripts); c.3336_3339del, p.Ile1112fs (NM_001407692.1, NM_001407694.1, NM_001407695.1 and 29 more transcripts); c.3333_3336del, p.Ile1111fs (NM_001407740.1, NM_001407741.1, NM_001407742.1 and 20 more transcripts); and 42 more; short protein forms I1112fs, I1159fs, I1048fs, I1071fs, I1111fs, I1132fs, I1156fs, I1158fs.
Identifiers: ClinVar variation 54896 (VCV000054896.72), dbSNP rs80357781, ClinGen allele CA002239.

ClinVar aggregate classification (germline): Pathogenic. Review status: reviewed by expert panel (3 of 4 stars). 14 submissions from 14 submitters: Pathogenic (1). 13 of the submissions do not count toward it. Last evaluated 2016-09-08.

Conditions:
Hereditary cancer-predisposing syndrome. Also called: Hereditary Cancer Syndrome; Hereditary neoplastic syndrome; Neoplastic Syndromes, Hereditary; Tumor predisposition. Identifiers: Orphanet 140162, MedGen C0027672, MeSH D009386, MONDO:0015356.
Hereditary breast ovarian cancer syndrome. Also called: BRCA1- and BRCA2-Associated Hereditary Breast and Ovarian Cancer; Hereditary breast and ovarian cancer syndrome; Hereditary breast and ovarian cancer syndrome (HBOC); Breast and ovarian cancer; Hereditary breast and/or ovarian cancer syndrome; Hereditary breast and ovarian cancer. Identifiers: Orphanet 145, MedGen C0677776, MeSH D061325, MONDO:0003582. Disease mechanism: loss of function.
Breast-ovarian cancer, familial, susceptibility to, 1 (BROVCA1). Also called: BRCA1 Hereditary Breast and Ovarian Cancer; OVARIAN CANCER, SUSCEPTIBILITY TO. Identifiers: Orphanet 145, MedGen C2676676, MONDO:0011450, OMIM 604370. Disease mechanism: loss of function.

Allele frequency attached by ClinVar (database versions not stated): ExAC 0.00001; gnomAD exomes below 0.00001.

Submissions 1 to 6 of 14:

Evidence-based Network for the Interpretation of Germline Mutant Alleles (ENIGMA)
Classification: Pathogenic for Breast-ovarian cancer, familial, susceptibility to, 1. Last evaluated: 2016-09-08. Review status: reviewed by expert panel. Criteria: ENIGMA BRCA1/2 Classification Criteria (2015). Collection method: curation. Allele origin: germline.
Comment: Variant allele predicted to encode a truncated non-functional protein.

Labcorp Genetics (formerly Invitae), Labcorp
Classification: Pathogenic for Hereditary breast ovarian cancer syndrome. Last evaluated: 2026-01-13. Review status: criteria provided, single submitter. Criteria: Invitae Variant Classification Sherloc (09022015). Collection method: clinical testing. Allele origin: germline. Not counted in ClinVar's aggregate classification.
Comment: This sequence change creates a premature translational stop signal (p.Ile1159Metfs*50) in the BRCA1 gene. It is expected to result in an absent or disrupted protein product. Loss-of-function variants in BRCA1 are known to be pathogenic (PMID: 20104584). This variant is present in population databases (rs80357781, gnomAD 0.003%). This premature translational stop signal has been observed in individual(s) with breast and ovarian cancer (PMID: 8968102, 10612800, 12872265, 17018160, 26187060). This variant is also known as 3596delAAAG and 3596del4. ClinVar contains an entry for this variant (Variation ID: 54896). For these reasons, this variant has been classified as Pathogenic.

GeneDx
Classification: Pathogenic. Last evaluated: 2025-11-05. Review status: criteria provided, single submitter. Criteria: GeneDx Variant Classification Process June 2021. Collection method: clinical testing. Allele origin: germline. Affected: yes. Not counted in ClinVar's aggregate classification.
Comment: Frameshift variant predicted to result in protein truncation or nonsense mediated decay in a gene for which loss of function is a known mechanism of disease; Identified in patients with breast and ovarian cancer in published literature (PMID: 17018160, 12872265, 10612800, 8968102, 14531499, 38136276); Not observed at significant frequency in large population cohorts (gnomAD); Also known as 3596_3599del; This variant is associated with the following publications: (PMID: 12872265, 28454591, 14531499, 8968102, 11920643, 12036913, 26187060, 17018160, 22762150, 11044354, 11044645, 10612800, 27836010, 30078507, 37310942, 33558524, 29922827, 35980532, 38136276, 30606148, 30720243, 31528241, 32341426, 34026625)

Ambry Genetics
Classification: Pathogenic for Hereditary cancer-predisposing syndrome. Last evaluated: 2025-07-29. Review status: criteria provided, single submitter. Criteria: Ambry Variant Classification Scheme 2023. Collection method: clinical testing. Allele origin: germline. Not counted in ClinVar's aggregate classification.
Comment: The c.3477_3480delAAAG pathogenic mutation, located in coding exon 9 of the BRCA1 gene, results from a deletion of 4 nucleotides between nucleotide positions 3477 and 3480, causing a translational frameshift with a predicted alternate stop codon (p.I1159Mfs*50). This variant has been reported in multiple individuals with hereditary breast and/or ovarian cancer, and also in an individual diagnosed with pancreatic cancer (Montagna M et al. Cancer Res. 1996 Dec;56(23):5466-9; Saxena S et al. BMC Med. Genet. 2006 Oct;7:75; Johns AL et al. Genome Med. 2017 04;9(1):41; Kwong A et al. J. Med. Genet. 2016 Jan;53:15-23; Marchetti C et al. Ann. Surg. Oncol. 2018 Nov;25:3701-3708). One proband with this variant reportedly also carried a mutation in BRCA2 (Rebbeck TR et al. Breast Cancer Res. 2016 Nov;18(1):112). This alteration was identified in a large, worldwide study of BRCA1/2 mutation positive families (Rebbeck TR et al. Hum. Mutat. 2018 05;39:593-620). Of note, this alteration is also designated as 3596del4 in the published literature. This alteration is expected to result in loss of function by premature protein truncation or nonsense-mediated mRNA decay. As such, this alteration is interpreted as a disease-causing mutation.

ARUP Laboratories, Molecular Genetics and Genomics, ARUP Laboratories
Classification: Pathogenic. Last evaluated: 2025-03-26. Review status: criteria provided, single submitter. Criteria: ARUP Molecular Germline Variant Investigation Process 2024. Collection method: clinical testing. Allele origin: germline. Not counted in ClinVar's aggregate classification.
Comment: The BRCA1 c.3477_3480del; p.Ile1159MetfsTer50 variant (rs80357781, ClinVar Variation ID: 54896), also known as 3596delAAAG or 3596del4, is reported in the literature in numerous individuals and families affected with breast or ovarian cancer (Cotrim 2019, De Talhouet 2020, Doddato 2021, Li 2018, Montagna 1996, Moradian 2021, Pereira 2022, Rashid 2019, Rebbeck 2016). This variant is only observed on one allele in the Genome Aggregation Database (v2.1.1), indicating it is not a common polymorphism. This variant causes a frameshift by deleting four nucleotides, so it is predicted to result in a truncated protein or mRNA subject to nonsense-mediated decay. Based on available information, this variant is considered to be pathogenic. References: Cotrim DP et al. Prevalence of BRCA1 and BRCA2 pathogenic and likely pathogenic variants in non-selected ovarian carcinoma patients in Brazil. BMC Cancer. 2019 Jan 3;19(1):4. PMID: 30606148. De Talhouet S et al. Clinical outcome of breast cancer in carriers of BRCA1 and BRCA2 mutations according to molecular subtypes. Sci Rep. 2020 Apr 27;10(1):7073. PMID: 32341426. Doddato G et al. Exome sequencing in BRCA1-2 candidate familias: the contribution of other cancer susceptibility genes. Front Oncol. 2021 May 7;11:649435. PMID: 34026625. Li A et al. BRCA germline mutations in an unselected nationwide cohort of Chinese patients with ovarian cancer and healthy controls. Gynecol Oncol. 2018 Oct;151(1):145-152. PMID: 30078507. Montagna M et al. Identification of seven new BRCA1 germline mutations in Italian breast and breast/ovarian cancer families. Cancer Res. 1996 Dec 1;56(23):5466-9. PMID: 8968102. Moradian MM et al. Germline mutational spectrum in Armenian breast cancer patients suspected of hereditary breast and ovarian cancer. Hum Genome Var. 2021 Feb 9;8(1):9. PMID: 33558524. Pereira JZ et al. Frequency of germline genetic variants in women with a personal or family history of breast cancer from Brazil. Mol Biol Rep. 2022 Oct;49(10):9509-9520. PMID: 35980532. Rashid MU et al. Spectrum and prevalence of BRCA1/2 germline mutations in Pakistani breast cancer patients: results from a large comprehensive study. Hered Cancer Clin Pract. 2019 Sep 11;17:27. PMID: 31528241. Rebbeck TR et al. Inheritance of deleterious mutations at both BRCA1 and BRCA2 in an international sample of 32,295 women. Breast Cancer Res. 2016 Nov 11;18(1):112. PMID: 27836010.

Color Diagnostics, LLC DBA Color Health
Classification: Pathogenic for Hereditary cancer-predisposing syndrome. Last evaluated: 2024-12-17. Review status: criteria provided, single submitter. Criteria: ACMG Guidelines, 2015. Collection method: clinical testing. Allele origin: germline. Not counted in ClinVar's aggregate classification.
Comment: This variant deletes 4 nucleotides in exon 10 of the BRCA1 gene, creating a frameshift and premature translation stop signal. This variant is expected to result in an absent or non-functional protein product. This variant has been reported in at least 7 individuals affected with breast and ovarian cancer (PMID: 8968102, 10612800, 12872265, 17018160, 26187060, 30128899; Color internal data; doi:10.5505/aot.2021.25348). This variant has been identified in 1/251298 chromosomes in the general population by the Genome Aggregation Database (gnomAD). Loss of BRCA1 function is a known mechanism of disease. Based on the available evidence, this variant is classified as Pathogenic.